The following is an entry in ClinVar:

NM_000168.6(GLI3):c.363C>T (p.His121=)

Gene: GLI3 (GLI family zinc finger 3; minus strand). Cytogenetic location: 7p14.1.
Variant type: single nucleotide variant.
Coding change: c.363C>T on transcript NM_000168.6 (MANE Select); coding-DNA position 363, C replaced by T.
Protein change: p.His121=; no amino-acid change (histidine 121 retained).
Molecular consequence: synonymous variant.
Genome position (GRCh38, 1-based): chr7:42,148,230, G>A on the plus strand (C>T on the coding strand, the complement: GLI3 is on the minus strand). VCF-style: chr7-42148230-G-A. GRCh37 (hg19) VCF-style: chr7-42187829-G-A.
Identifiers: ClinVar variation 289225 (VCV000289225.39), dbSNP rs150295615, ClinGen allele CA4231238.

ClinVar aggregate classification (germline): Benign/Likely benign. Review status: criteria provided, multiple submitters, no conflicts (2 of 4 stars). 6 submissions from 6 submitters: Benign (2); Likely benign (3). 1 of the submissions does not count toward it. Last evaluated 2025-11-15.

Conditions:
GLI3-related disorder. Also called: GLI3-related condition; GLI3-related disorders. Identifiers: MedGen CN239292.
Greig cephalopolysyndactyly syndrome (GCPS). Also called: GLI3-Related Greig Cephalopolysyndactyly Syndrome; Greig syndrome; POLYSYNDACTYLY WITH PECULIAR SKULL SHAPE. Identifiers: Orphanet 380, MedGen C0265306, MONDO:0008287, OMIM 175700.
Pallister-Hall syndrome (PHS). Also called: HYPOTHALAMIC HAMARTOBLASTOMA, HYPOPITUITARISM, IMPERFORATE ANUS, AND POSTAXIAL POLYDACTYLY; GLI3-Related Pallister-Hall Syndrome. Identifiers: Orphanet 672, MedGen C0265220, MONDO:0007804, OMIM 146510.

Allele frequency attached by ClinVar (database versions not stated): TOPMed 0.00007; ESP Exome Variant Server 0.00008; gnomAD 0.00008 and 0.00021; gnomAD exomes 0.00025 and 0.00050; ExAC 0.00082; 1000 Genomes Project 30x 0.00156; 1000 Genomes Project 0.00180.
gnomAD v4.1: 403 of 1,610,318 alleles (0.025%); highest among the groups gnomAD compares: South Asian, 0.3%; 4 homozygotes.

Submissions (6):

Labcorp Genetics (formerly Invitae), Labcorp
Classification: Benign for Pallister-Hall syndrome; Greig cephalopolysyndactyly syndrome. Last evaluated: 2025-11-15. Review status: criteria provided, single submitter. Criteria: Invitae Variant Classification Sherloc (09022015). Collection method: clinical testing. Allele origin: germline.

Blueprint Genetics
Classification: Likely benign. Last evaluated: 2024-10-22. Review status: criteria provided, single submitter. Criteria: ACMG Guidelines, 2015. Collection method: clinical testing. Allele origin: germline.

CeGaT Center for Human Genetics Tuebingen
Classification: Benign. Last evaluated: 2022-09-01. Review status: criteria provided, single submitter. Criteria: CeGaT Center For Human Genetics Tuebingen Variant Classification Criteria Version 2. Collection method: clinical testing. Allele origin: germline. Affected: yes. Observed: 1 variant allele.
Comment: GLI3: BS1, BS2

Eurofins Ntd Llc (ga)
Classification: Likely benign. Last evaluated: 2016-07-08. Review status: criteria provided, single submitter. Criteria: EGL Classification Definitions 2015. Collection method: clinical testing. Allele origin: germline. Observed: 1 variant allele, 1 heterozygote.

Breakthrough Genomics
Classification: Likely benign. Review status: criteria provided, single submitter. Criteria: ACMG Guidelines, 2015. Collection method: not provided. Allele origin: germline. Inheritance: Autosomal dominant inheritance. Affected: yes.

PreventionGenetics, part of Exact Sciences
Classification: Likely benign for GLI3-related condition. Last evaluated: 2019-10-02. Review status: no assertion criteria provided. Collection method: clinical testing. Allele origin: germline. Not counted in ClinVar's aggregate classification.
Comment: This variant is classified as likely benign based on ACMG/AMP sequence variant interpretation guidelines (Richards et al. 2015 PMID: 25741868, with internal and published modifications).